The following is an entry in ClinVar:

ClinVar aggregate classification (germline): Conflicting classifications of pathogenicity. Review status: criteria provided, conflicting classifications (1 of 4 stars). 4 submissions from 4 submitters: Pathogenic (1); Likely pathogenic (2); Uncertain significance (1). Last evaluated 2023-11-27.

Conditions:
Baraitser-winter syndrome 2. Identifiers: Orphanet 2995, MedGen C3281235, MONDO:0013812, OMIM 614583.
Autosomal dominant nonsyndromic hearing loss 20. Identifiers: Orphanet 90635, MedGen C1858172, MONDO:0011480, OMIM 604717.

Submissions (4):

Labcorp Genetics (formerly Invitae), Labcorp
Classification: Uncertain significance for Baraitser-winter syndrome 2; Autosomal dominant nonsyndromic hearing loss 20. Last evaluated: 2023-11-27. Review status: criteria provided, single submitter. Criteria: Invitae Variant Classification Sherloc (09022015). Collection method: clinical testing. Allele origin: germline.
Comment: This sequence change replaces arginine, which is basic and polar, with histidine, which is basic and polar, at codon 210 of the ACTG1 protein (p.Arg210His). This variant is not present in population databases (gnomAD no frequency). This variant has not been reported in the literature in individuals affected with ACTG1-related conditions. ClinVar contains an entry for this variant (Variation ID: 449191). Advanced modeling of protein sequence and biophysical properties (such as structural, functional, and spatial information, amino acid conservation, physicochemical variation, residue mobility, and thermodynamic stability) performed at Invitae indicates that this missense variant is not expected to disrupt ACTG1 protein function with a negative predictive value of 80%. This variant disrupts the p.Arg210 amino acid residue in ACTG1. Other variant(s) that disrupt this residue have been determined to be pathogenic (PMID: 30008475, 33584783). This suggests that this residue is clinically significant, and that variants that disrupt this residue are likely to be disease-causing. In summary, the available evidence is currently insufficient to determine the role of this variant in disease. Therefore, it has been classified as a Variant of Uncertain Significance.

GeneDx
Classification: Pathogenic. Last evaluated: 2023-04-18. Review status: criteria provided, single submitter. Criteria: GeneDx Variant Classification Process June 2021. Collection method: clinical testing. Allele origin: germline. Affected: yes.
Comment: Not observed in large population cohorts (gnomAD); In silico analysis supports that this missense variant has a deleterious effect on protein structure/function; The majority of missense variants in this gene are considered pathogenic (HGMD); Has not been previously reported as pathogenic or benign to our knowledge

3billion
Classification: Likely pathogenic for Baraitser-winter syndrome 2. Last evaluated: 2022-01-03. Review status: criteria provided, single submitter. Criteria: ACMG Guidelines, 2015. Collection method: clinical testing. Allele origin: germline. Affected: yes. Observed: 1 heterozygote.
Comment: Same nucleotide change resulting in same amino acid change has been previously reported to be associated with ACTG1 related disorder (ClinVar ID: VCV000449191, PS1_P). A different missense change at the same codon has been reported as pathogenic/likely pathogenic with strong evidence (ClinVar ID: VCV000813525, PM5_M). In silico tool predictions suggest damaging effect of the variant on gene or gene product (REVEL: 0.802, 3CNET: 0.981, PP3_P). A missense variant is a common mechanism associated with Baraitser-Winter syndrome 2 (PP2_P). It is not observed in the gnomAD v2.1.1 dataset (PM2_M). Therefore, this variant is classified as likely pathogenic according to the recommendation of ACMG/AMP guideline.

Juno Genomics, Hangzhou Juno Genomics, Inc
Classification: Likely pathogenic for Baraitser-winter syndrome 2. Review status: criteria provided, single submitter. Criteria: ACMG Guidelines, 2015. Collection method: clinical testing. Allele origin: germline. Affected: yes.
Comment: Absent from controls (or at extremely low frequency if recessive) in Genome Aggregation Database, Exome Sequencing Project, 1000 Genomes Project, or Exome Aggregation Consortium.;Assumed de novo, but without confirmation of paternity and maternity.;Multiple lines of computational evidence support a deleterious effect on the gene or gene product (conservation, evolutionary, splicing impact, etc).;Missense variant in a gene that has a low rate of benign missense variation and where missense variants are a common mechanism of disease.;Novel missense change at an amino acid residue where a different missense change determined to be pathogenic has been seen before.

Literature cited by the submitters: PubMed 30008475 (cited by Labcorp Genetics (formerly Invitae), Labcorp); PubMed 33584783 (cited by Labcorp Genetics (formerly Invitae), Labcorp).

NM_001614.5(ACTG1):c.629G>A (p.Arg210His)

Gene: ACTG1 (actin gamma 1; minus strand). Cytogenetic location: 17q25.3.
Variant type: single nucleotide variant.
Coding change: c.629G>A on transcript NM_001614.5 (MANE Select); coding-DNA position 629, G replaced by A.
Protein change: p.Arg210His; replaces arginine 210 with histidine.
Molecular consequence: missense variant. On other transcripts: non-coding transcript variant (1).
Genome position (GRCh38, 1-based): chr17:81,511,361, C>T on the plus strand (G>A on the coding strand, the complement: ACTG1 is on the minus strand). VCF-style: chr17-81511361-C-T. GRCh37 (hg19) VCF-style: chr17-79478387-C-T.
Other names: c.629G>A, p.Arg210His (NM_001199954.3); short protein forms R210H.
Identifiers: ClinVar variation 449191 (VCV000449191.12), dbSNP rs1555666709, ClinGen allele CA401460370.